The following is an entry in ClinVar:

ClinVar aggregate classification (germline): Uncertain significance (1 of 4 stars; one submission).

Conditions:
Aortic aneurysm, familial thoracic 7 (AAT7). Also called: AORTIC DISSECTION, FAMILIAL, WITH OR WITHOUT AORTIC ANEURYSM. Identifiers: MedGen C3151077, MONDO:0013418, OMIM 613780.

Submission:

Labcorp Genetics (formerly Invitae), Labcorp
Classification: Uncertain significance for Aortic aneurysm, familial thoracic 7. Last evaluated: 2021-08-29. Review status: criteria provided, single submitter. Criteria: Invitae Variant Classification Sherloc (09022015). Collection method: clinical testing. Allele origin: germline.
Comment: This sequence change replaces glutamic acid with glutamine at codon 1111 of the MYLK protein (p.Glu1111Gln). The glutamic acid residue is highly conserved and there is a small physicochemical difference between glutamic acid and glutamine. This variant is not present in population databases (ExAC no frequency). This variant has not been reported in the literature in individuals affected with MYLK-related conditions. Advanced modeling of protein sequence and biophysical properties (such as structural, functional, and spatial information, amino acid conservation, physicochemical variation, residue mobility, and thermodynamic stability) performed at Invitae indicates that this missense variant is not expected to disrupt MYLK protein function. In summary, the available evidence is currently insufficient to determine the role of this variant in disease. Therefore, it has been classified as a Variant of Uncertain Significance.

NM_053025.4(MYLK):c.3331G>C (p.Glu1111Gln)

Gene: MYLK (myosin light chain kinase; minus strand). Cytogenetic location: 3q21.1.
Variant type: single nucleotide variant.
Coding change: c.3331G>C on transcript NM_053025.4 (MANE Select); coding-DNA position 3331, G replaced by C.
Protein change: p.Glu1111Gln; replaces glutamic acid 1111 with glutamine.
Molecular consequence: missense variant.
Genome position (GRCh38, 1-based): chr3:123,700,137, C>G on the plus strand (G>C on the coding strand, the complement: MYLK is on the minus strand). VCF-style: chr3-123700137-C-G. GRCh37 (hg19) VCF-style: chr3-123418984-C-G.
Other names: c.2803G>C, p.Glu935Gln (NM_001321309.2); c.3124G>C, p.Glu1042Gln (NM_053026.4, NM_053028.4); c.3331G>C, p.Glu1111Gln (NM_053027.4); short protein forms E1042Q, E1111Q, E935Q.
Identifiers: ClinVar variation 1446122 (VCV001446122.6), dbSNP rs1560092803, ClinGen allele CA354229262.